The following is an entry in ClinVar:

ClinVar aggregate classification (germline): Uncertain significance (1 of 4 stars; one submission).

Conditions:
Cardiomyopathy (CMYO). Also called: Cardiomyopathies. Identifiers: Orphanet 167848, MedGen C0878544, MONDO:0004994, HP:0001638. Inheritance: Various modes of inheritance.

Submission:

Color Diagnostics, LLC DBA Color Health
Classification: Uncertain significance for Cardiomyopathy. Last evaluated: 2023-06-20. Review status: criteria provided, single submitter. Criteria: ACMG Guidelines, 2015. Collection method: clinical testing. Allele origin: germline.
Comment: This missense variant replaces threonine with asparagine at codon 1814 of the RYR2 protein. Computational prediction suggests that this variant may not impact protein structure and function (internally defined REVEL score threshold <= 0.5, PMID: 27666373). To our knowledge, functional studies have not been reported for this variant. This variant has not been reported in individuals affected with RYR2-related disorders in the literature. This variant has not been identified in the general population by the Genome Aggregation Database (gnomAD). The available evidence is insufficient to determine the role of this variant in disease conclusively. Therefore, this variant is classified as a Variant of Uncertain Significance.

NM_001035.3(RYR2):c.5441C>A (p.Thr1814Asn)

Gene: RYR2 (ryanodine receptor 2; plus strand). Cytogenetic location: 1q43.
Variant type: single nucleotide variant.
Coding change: c.5441C>A on transcript NM_001035.3 (MANE Select); coding-DNA position 5441, C replaced by A.
Protein change: p.Thr1814Asn; replaces threonine 1814 with asparagine.
Molecular consequence: missense variant.
Genome position (GRCh38, 1-based): chr1:237,614,569, C>A. VCF-style: chr1-237614569-C-A. GRCh37 (hg19) VCF-style: chr1-237777869-C-A.
Other names: short protein forms T1814N.
Identifiers: ClinVar variation 2774311 (VCV002774311.2), dbSNP rs1349521379, ClinGen allele CA345405029.